The following is an entry in ClinVar:

NM_000836.4(GRIN2D):c.14G>A (p.Gly5Asp)

Gene: GRIN2D (glutamate ionotropic receptor NMDA type subunit 2D; plus strand). Cytogenetic location: 19q13.33.
Variant type: single nucleotide variant.
Coding change: c.14G>A on transcript NM_000836.4 (MANE Select); coding-DNA position 14, G replaced by A.
Protein change: p.Gly5Asp; replaces glycine 5 with aspartic acid.
Molecular consequence: missense variant.
Genome position (GRCh38, 1-based): chr19:48,398,406, G>A. VCF-style: chr19-48398406-G-A. GRCh37 (hg19) VCF-style: chr19-48901663-G-A.
Other names: short protein forms G5D.
Identifiers: ClinVar variation 4856904 (VCV004856904.2).

ClinVar aggregate classification (germline): Uncertain significance (1 of 4 stars; one submission).

Submission:

Dasa
Classification: Uncertain significance. Last evaluated: 2026-04-03. Review status: criteria provided, single submitter. Criteria: DASA Assertion Criteria. Collection method: clinical testing. Allele origin: germline.
Comment: NM_000836.4(GRIN2D):c.14G>A (p.Gly5Asp) is a missense variant that results in the substitution of glycine with aspartic acid. This variant is absent from population databases. The currently available literature and clinical evidence are not sufficient to establish a definitive association between this variant and the reported condition. Therefore, this variant is classified as a variant of uncertain significance.